The following is an entry in ClinVar:

ClinVar aggregate classification (germline): Pathogenic. Review status: criteria provided, multiple submitters, no conflicts (2 of 4 stars). 2 submissions from 2 submitters: Pathogenic (2). Last evaluated 2024-10-08.

Conditions:
Hereditary cancer-predisposing syndrome. Also called: Tumor predisposition; Neoplastic Syndromes, Hereditary; Hereditary Cancer Syndrome; Hereditary neoplastic syndrome. Identifiers: Orphanet 140162, MedGen C0027672, MeSH D009386, MONDO:0015356.
Hereditary breast ovarian cancer syndrome. Also called: Hereditary breast and ovarian cancer; Breast and ovarian cancer; Hereditary breast and/or ovarian cancer syndrome; Hereditary breast and ovarian cancer syndrome; BRCA1- and BRCA2-Associated Hereditary Breast and Ovarian Cancer; Hereditary breast and ovarian cancer syndrome (HBOC). Identifiers: Orphanet 145, MedGen C0677776, MeSH D061325, MONDO:0003582. Disease mechanism: loss of function.

Submissions (2):

Ambry Genetics
Classification: Pathogenic for Hereditary cancer-predisposing syndrome. Last evaluated: 2024-10-08. Review status: criteria provided, single submitter. Criteria: Ambry Variant Classification Scheme 2023. Collection method: clinical testing. Allele origin: germline.
Comment: The c.4450_4451delGA pathogenic mutation, located in coding exon 10 of the BRCA2 gene, results from a deletion of two nucleotides at nucleotide positions 4450 to 4451, causing a translational frameshift with a predicted alternate stop codon (p.D1484Hfs*3). This variant is considered to be rare based on population cohorts in the Genome Aggregation Database (gnomAD). This alteration is expected to result in loss of function by premature protein truncation or nonsense-mediated mRNA decay. As such, this alteration is interpreted as a disease-causing mutation.

Labcorp Genetics (formerly Invitae), Labcorp
Classification: Pathogenic for Hereditary breast ovarian cancer syndrome. Last evaluated: 2024-08-28. Review status: criteria provided, single submitter. Criteria: Invitae Variant Classification Sherloc (09022015). Collection method: clinical testing. Allele origin: germline.
Comment: This sequence change creates a premature translational stop signal (p.Asp1484Hisfs*3) in the BRCA2 gene. It is expected to result in an absent or disrupted protein product. Loss-of-function variants in BRCA2 are known to be pathogenic (PMID: 20104584). This variant is not present in population databases (gnomAD no frequency). This variant has not been reported in the literature in individuals affected with BRCA2-related conditions. For these reasons, this variant has been classified as Pathogenic.

Literature cited by the submitters: PubMed 20104584 (cited by Labcorp Genetics (formerly Invitae), Labcorp).

NM_000059.4(BRCA2):c.4450_4451del (p.Asp1484fs)

Gene: BRCA2 (BRCA2 DNA repair associated; plus strand). Cytogenetic location: 13q13.1.
Variant type: Deletion.
Coding change: c.4450_4451del on transcript NM_000059.4 (MANE Select); coding-DNA positions 4450 to 4451, 2 bases deleted (GA; older notation c.4450_4451delGA).
Protein change: p.Asp1484fs; shifts the reading frame from aspartic acid 1484.
Molecular consequence: frameshift variant. On other transcripts: intron variant (2), non-coding transcript variant (1).
Genome position (GRCh38, 1-based): chr13:32,338,805-32,338,806, GA deleted; deleting any 2 consecutive bases within chr13:32,338,804-32,338,806 gives the same sequence; the c. name uses the placement nearest the transcript's 3' end. VCF-style (leftmost placement, unchanged base first): chr13-32338803-CAG-C. GRCh37 (hg19) VCF-style: chr13-32912940-CAG-C.
Other names: c.4450_4451del, p.Asp1484fs (NM_001406720.1, NM_001432077.1, NM_001406719.1); c.425-5753_425-5752del (NM_001406722.1); c.1909+5418_1909+5419del (NM_001406721.1); short protein forms D1484fs.
Identifiers: ClinVar variation 3482106 (VCV003482106.3).